The following is an entry in ClinVar:

NM_001025616.3(ARHGAP24):c.1271C>T (p.Pro424Leu)

Gene: ARHGAP24 (Rho GTPase activating protein 24; plus strand). Cytogenetic location: 4q21.23.
Variant type: single nucleotide variant.
Coding change: c.1271C>T on transcript NM_001025616.3 (MANE Select); coding-DNA position 1271, C replaced by T.
Protein change: p.Pro424Leu; replaces proline 424 with leucine.
Molecular consequence: missense variant.
Genome position (GRCh38, 1-based): chr4:85,994,925, C>T. VCF-style: chr4-85994925-C-T. GRCh37 (hg19) VCF-style: chr4-86916078-C-T.
Other names: c.986C>T, p.Pro329Leu (NM_001042669.2); c.1016C>T, p.Pro339Leu (NM_001287805.2); c.692C>T, p.Pro231Leu (NM_001346093.2); c.992C>T, p.Pro331Leu (NM_031305.3); short protein forms P329L, P424L, P331L, P339L, P231L.
Identifiers: ClinVar variation 4690826 (VCV004690826.1).

ClinVar aggregate classification (germline): Uncertain significance (1 of 4 stars; one submission).

gnomAD v4.1: 18 of 1,614,042 alleles (0.0011%); highest among the groups gnomAD compares: African/African-American, 0.021%; no homozygotes.

Submission:

Labcorp Genetics (formerly Invitae), Labcorp
Classification: Uncertain significance. Last evaluated: 2025-12-22. Review status: criteria provided, single submitter. Criteria: Invitae Variant Classification Sherloc (09022015). Collection method: clinical testing. Allele origin: germline.
Comment: This sequence change replaces proline, which is neutral and non-polar, with leucine, which is neutral and non-polar, at codon 424 of the ARHGAP24 protein (p.Pro424Leu). This variant is present in population databases (rs369576054, gnomAD 0.05%). This variant has not been reported in the literature in individuals affected with ARHGAP24-related conditions. An algorithm developed to predict the effect of missense changes on protein structure and function (PolyPhen-2) suggests that this variant is likely to be tolerated. In summary, the available evidence is currently insufficient to determine the role of this variant in disease. Therefore, it has been classified as a Variant of Uncertain Significance.